The following is an entry in ClinVar:

NM_016247.4(IMPG2):c.803A>G (p.His268Arg)

Gene: IMPG2 (interphotoreceptor matrix proteoglycan 2; minus strand). Cytogenetic location: 3q12.3.
Variant type: single nucleotide variant.
Coding change: c.803A>G on transcript NM_016247.4 (MANE Select); coding-DNA position 803, A replaced by G.
Protein change: p.His268Arg; replaces histidine 268 with arginine.
Molecular consequence: missense variant.
Genome position (GRCh38, 1-based): chr3:101,273,606, T>C on the plus strand (A>G on the coding strand, the complement: IMPG2 is on the minus strand). VCF-style: chr3-101273606-T-C. GRCh37 (hg19) VCF-style: chr3-100992450-T-C.
Other names: short protein forms H268R.
Identifiers: ClinVar variation 1495301 (VCV001495301.8), dbSNP rs2107251030, ClinGen allele CA353867760.

ClinVar aggregate classification (germline): Uncertain significance (1 of 4 stars; one submission).

Submission:

Labcorp Genetics (formerly Invitae), Labcorp
Classification: Uncertain significance. Last evaluated: 2021-04-06. Review status: criteria provided, single submitter. Criteria: Invitae Variant Classification Sherloc (09022015). Collection method: clinical testing. Allele origin: germline.
Comment: In summary, the available evidence is currently insufficient to determine the role of this variant in disease. Therefore, it has been classified as a Variant of Uncertain Significance. Algorithms developed to predict the effect of missense changes on protein structure and function output the following: SIFT: "Tolerated"; PolyPhen-2: "Benign"; Align-GVGD: "Class C0". The arginine amino acid residue is found in multiple mammalian species, suggesting that this missense change does not adversely affect protein function. These predictions have not been confirmed by published functional studies and their clinical significance is uncertain. This variant has not been reported in the literature in individuals with IMPG2-related conditions. This variant is not present in population databases (ExAC no frequency). This sequence change replaces histidine with arginine at codon 268 of the IMPG2 protein (p.His268Arg). The histidine residue is weakly conserved and there is a small physicochemical difference between histidine and arginine.